The following is an entry in ClinVar:

NM_172364.5(CACNA2D4):c.1948G>T (p.Val650Leu)

Gene: CACNA2D4 (calcium voltage-gated channel auxiliary subunit alpha2delta 4; minus strand). Cytogenetic location: 12p13.33.
Variant type: single nucleotide variant.
Coding change: c.1948G>T on transcript NM_172364.5 (MANE Select); coding-DNA position 1948, G replaced by T.
Protein change: p.Val650Leu; replaces valine 650 with leucine.
Molecular consequence: missense variant.
Genome position (GRCh38, 1-based): chr12:1,858,637, C>A on the plus strand (G>T on the coding strand, the complement: CACNA2D4 is on the minus strand). VCF-style: chr12-1858637-C-A. GRCh37 (hg19) VCF-style: chr12-1967803-C-A.
Other names: short protein forms V650L.
Identifiers: ClinVar variation 2110507 (VCV002110507.4), dbSNP rs931940076, ClinGen allele CA383349793.
Genomic context (GRCh38, chr12:1,858,637, plus strand): 5'-CTTCTTCCACAGACGTGTTCCCCAGAAGGATGTATTCTCCGTGGCCCCGGGACAGCACCA[C>A]CCCCAAACTGTGGGGAGAGAAGAGAAGGCACTCATTCAGCAGCAGCAGATGCCGGCCTGT-3'
Protein context (NP_758952.4, residues 640-660): DISDTPFSLG[Val650Leu]VLSRGHGEYI

ClinVar aggregate classification (germline): Uncertain significance (1 of 4 stars; one submission).

Allele frequency attached by ClinVar (database versions not stated): gnomAD exomes 0.00001.
gnomAD v4.1: 3 of 1,601,234 alleles (0.00019%); highest among the groups gnomAD compares: Admixed American, 0.0051%; no homozygotes.

Submission:

Labcorp Genetics (formerly Invitae), Labcorp
Classification: Uncertain significance. Last evaluated: 2022-03-12. Review status: criteria provided, single submitter. Criteria: Invitae Variant Classification Sherloc (09022015). Collection method: clinical testing. Allele origin: germline.
Comment: In summary, the available evidence is currently insufficient to determine the role of this variant in disease. Therefore, it has been classified as a Variant of Uncertain Significance. Algorithms developed to predict the effect of missense changes on protein structure and function (SIFT, PolyPhen-2, Align-GVGD) all suggest that this variant is likely to be tolerated. This variant has not been reported in the literature in individuals affected with CACNA2D4-related conditions. The frequency data for this variant in the population databases is considered unreliable, as metrics indicate poor data quality at this position in the gnomAD database. This sequence change replaces valine, which is neutral and non-polar, with leucine, which is neutral and non-polar, at codon 650 of the CACNA2D4 protein (p.Val650Leu).